The following is an entry in ClinVar:

NM_001353345.2(SETD1B):c.1128C>T (p.Ala376=)

Gene: SETD1B (SET domain containing 1B, histone lysine methyltransferase; plus strand). Cytogenetic location: 12q24.31.
Variant type: single nucleotide variant.
Coding change: c.1128C>T on transcript NM_001353345.2 (MANE Select); coding-DNA position 1128, C replaced by T.
Protein change: p.Ala376=; no amino-acid change (alanine 376 retained).
Molecular consequence: synonymous variant.
Genome position (GRCh38, 1-based): chr12:121,810,073, C>T. VCF-style: chr12-121810073-C-T. GRCh37 (hg19) VCF-style: chr12-122247979-C-T.
Identifiers: ClinVar variation 2643426 (VCV002643426.25), dbSNP rs781386265, ClinGen allele CA6838835.

ClinVar aggregate classification (germline): Likely benign. Review status: criteria provided, multiple submitters, no conflicts (2 of 4 stars). 2 submissions from 2 submitters: Likely benign (2). Last evaluated 2026-05-01.

Allele frequency attached by ClinVar (database versions not stated): ExAC 0.00007; gnomAD exomes 0.00007; gnomAD 0.00012; TOPMed 0.00015; 1000 Genomes Project 30x 0.00031.
gnomAD v4.1: 113 of 1,550,268 alleles (0.0073%); highest among the groups gnomAD compares: Admixed American, 0.033%; no homozygotes.

Submissions (2):

CeGaT Center for Human Genetics Tuebingen
Classification: Likely benign. Last evaluated: 2026-05-01. Review status: criteria provided, single submitter. Criteria: CeGaT Center For Human Genetics Tuebingen Variant Classification Criteria Version 2. Collection method: clinical testing. Allele origin: germline. Affected: yes. Observed: 3 variant alleles.
Comment: SETD1B: BP4, BP7

Blueprint Genetics
Classification: Likely benign. Last evaluated: 2024-11-21. Review status: criteria provided, single submitter. Criteria: ACMG Guidelines, 2015. Collection method: clinical testing. Allele origin: germline.